The following is an entry in ClinVar:

NM_001048174.2(MUTYH):c.1446del (p.Arg482fs)

Gene: MUTYH (mutY DNA glycosylase; minus strand). Cytogenetic location: 1p34.1.
Variant type: Deletion.
Coding change: c.1446del on transcript NM_001048174.2 (MANE Select); coding-DNA position 1446, one base deleted (G; older notation c.1446delG).
Protein change: p.Arg482fs; shifts the reading frame from arginine 482.
Molecular consequence: frameshift variant. On other transcripts: non-coding transcript variant (2).
Genome position (GRCh38, 1-based): chr1:45,329,426, C deleted on the plus strand (G on the coding strand, the reverse complement: MUTYH is on the minus strand); the first of 2 consecutive C bases (chr1:45,329,426-45,329,427); deleting either gives the same sequence. VCF-style (leftmost placement, unchanged base first): chr1-45329425-AC-A. GRCh37 (hg19) VCF-style: chr1-45795097-AC-A.
Other names: c.1491del, p.Arg497fs (NM_001293190.2); c.1479del, p.Arg493fs (NM_001293191.2); c.1170del, p.Arg390fs (NM_001293192.2, NM_001293196.2); c.1446del, p.Arg482fs (NM_001293195.2, NM_001048171.2, NM_001048173.2); c.1101del, p.Arg367fs (NM_001350650.2, NM_001350651.2); c.1521del, p.Arg507fs (NM_012222.3); c.1449del, p.Arg483fs (NM_001048172.2); c.1530del, p.Arg510fs (NM_001128425.2); short protein forms R367fs, R390fs, R482fs, R483fs, R493fs, R497fs, R507fs, R510fs.
Identifiers: ClinVar variation 1067189 (VCV001067189.7), dbSNP rs2149090006, ClinGen allele CA2499214755.

ClinVar aggregate classification (germline): Likely pathogenic (1 of 4 stars; one submission).

Conditions:
Familial adenomatous polyposis 2. Also called: Adenomas, multiple colorectal; MUTYH Polyposis; COLORECTAL ADENOMATOUS POLYPOSIS, AUTOSOMAL RECESSIVE; ADENOMAS, MULTIPLE COLORECTAL, AUTOSOMAL RECESSIVE; FAP type 2; MUTYH-associated polyposis. Identifiers: Orphanet 220460, Orphanet 247798, MedGen C3272841, MONDO:0012041, OMIM 608456.

Submission:

Labcorp Genetics (formerly Invitae), Labcorp
Classification: Likely pathogenic for Familial adenomatous polyposis 2. Last evaluated: 2025-09-24. Review status: criteria provided, single submitter. Criteria: Invitae Variant Classification Sherloc (09022015). Collection method: clinical testing. Allele origin: germline.
Comment: This sequence change is expected to alter the c-terminus of the MUTYH protein (p.Arg510Serfs*61). While this is not anticipated to result in nonsense mediated decay, it is expected to disrupt the last 40 amino acid(s) of the MUTYH protein and extend the protein by 20 additional amino acid residues. This variant is not present in population databases (gnomAD no frequency). This variant has not been reported in the literature in individuals affected with MUTYH-related conditions. This variant is also known as Gln512-Phe519. ClinVar contains an entry for this variant (Variation ID: 1067189). This variant disrupts the conserved PCNA binding motif of the MUTYH protein, which has been shown to be critical for MUTYH-PCNA binding and repair efficiency (PMID: 11092888, 26377631, 11433026, 11864576). While functional studies have not been performed to directly test the effect of this variant on MUTYH protein function, this suggests that disruption of this region of the protein is causative of disease. In summary, the currently available evidence indicates that the variant is pathogenic, but additional data are needed to prove that conclusively. Therefore, this variant has been classified as Likely Pathogenic.

Literature cited by the submitters: PubMed 11092888; PubMed 26377631; PubMed 11433026; PubMed 11864576.